The following is an entry in ClinVar:

ClinVar aggregate classification (germline): Likely benign (1 of 4 stars; one submission).

Submission:

CeGaT Center for Human Genetics Tuebingen
Classification: Likely benign. Last evaluated: 2026-04-01. Review status: criteria provided, single submitter. Criteria: CeGaT Center For Human Genetics Tuebingen Variant Classification Criteria Version 2. Collection method: clinical testing. Allele origin: germline. Affected: yes. Observed: 1 variant allele.
Comment: LILRA3: BP4, BP7

Single allele

Gene: LILRA3 (leukocyte immunoglobulin like receptor A3; minus strand). Cytogenetic location: 19q13.42.
Variant type: single nucleotide variant.
Genome position: GRCh38 VCF-style: chr19-273126-C-T. GRCh37 (hg19) VCF-style: chr19-54802012-C-T.
Identifiers: ClinVar variation 4872081 (VCV004872081.2).